The following is an entry in ClinVar:

ClinVar aggregate classification (germline): Benign/Likely benign. Review status: criteria provided, multiple submitters, no conflicts (2 of 4 stars). 3 submissions from 3 submitters: Benign (1); Likely benign (2). Last evaluated 2025-10-14.

Conditions:
Inborn genetic diseases. Identifiers: MedGen C0950123, MeSH D030342.
FLNB-Related Spectrum Disorders.

Allele frequency attached by ClinVar (database versions not stated): TOPMed 0.00003; ExAC 0.00007; gnomAD exomes 0.00010; 1000 Genomes Project 30x 0.00016; 1000 Genomes Project 0.00020.
gnomAD v4.1: 97 of 1,614,196 alleles (0.006%); highest among the groups gnomAD compares: Admixed American, 0.022%; no homozygotes.

Submissions (3):

Labcorp Genetics (formerly Invitae), Labcorp
Classification: Likely benign. Last evaluated: 2025-10-14. Review status: criteria provided, single submitter. Criteria: Invitae Variant Classification Sherloc (09022015). Collection method: clinical testing. Allele origin: germline.

Ambry Genetics
Classification: Likely benign for Inborn genetic diseases. Last evaluated: 2023-02-16. Review status: criteria provided, single submitter. Criteria: Ambry Variant Classification Scheme 2023. Collection method: clinical testing. Allele origin: germline.

Illumina Laboratory Services, Illumina
Classification: Benign for FLNB-Related Spectrum Disorders. Last evaluated: 2017-04-28. Review status: criteria provided, single submitter. Criteria: ICSL Variant Classification Criteria 13 December 2019. Collection method: clinical testing. Allele origin: germline.
Comment: This variant was observed as part of a predisposition screen in an ostensibly healthy population. A literature search was performed for the gene, cDNA change, and amino acid change (where applicable). No publications were found based on this search. Allele frequency data from public databases was too high to be consistent with this variant causing disease. Therefore, this variant is classified as benign.

NM_001457.4(FLNB):c.6416G>A (p.Arg2139His)

Gene: FLNB (filamin B; plus strand). Cytogenetic location: 3p14.3.
Variant type: single nucleotide variant.
Coding change: c.6416G>A on transcript NM_001457.4 (MANE Select); coding-DNA position 6416, G replaced by A.
Protein change: p.Arg2139His; replaces arginine 2139 with histidine.
Molecular consequence: missense variant.
Genome position (GRCh38, 1-based): chr3:58,153,423, G>A. VCF-style: chr3-58153423-G-A. GRCh37 (hg19) VCF-style: chr3-58139150-G-A.
Other names: c.6509G>A, p.Arg2170His (NM_001164317.2); c.6383G>A, p.Arg2128His (NM_001164318.2); c.6344G>A, p.Arg2115His (NM_001164319.2); short protein forms R2128H, R2170H, R2139H, R2115H.
Identifiers: ClinVar variation 899660 (VCV000899660.10), dbSNP rs578244438, ClinGen allele CA2469398.
Genomic context (GRCh38, chr3:58,153,423, plus strand): 5'-TCCCTCTTTCAGAAATCAACAGCAGTGATATGTCGGCCCACGTCACCAGCCCCTCTGGCC[G>A]TGTGACTGAGGCAGAGATTGTGCCCATGGGGAAGAACTCACACTGCGTCCGGTTTGTGCC-3'
Protein context (NP_001448.2, residues 2129-2149): MSAHVTSPSG[Arg2139His]VTEAEIVPMG